The following is an entry in ClinVar:

NM_003070.5(SMARCA2):c.4212G>T (p.Glu1404Asp)

Gene: SMARCA2 (SWI/SNF related, matrix associated, actin dependent regulator of chromatin, subfamily a, member 2; plus strand). Cytogenetic location: 9p24.3.
Variant type: single nucleotide variant.
Coding change: c.4212G>T on transcript NM_003070.5 (MANE Select); coding-DNA position 4212, G replaced by T.
Protein change: p.Glu1404Asp; replaces glutamic acid 1404 with aspartic acid.
Molecular consequence: missense variant. On other transcripts: intron variant (5).
Genome position (GRCh38, 1-based): chr9:2,170,431, G>T. VCF-style: chr9-2170431-G-T. GRCh37 (hg19) VCF-style: chr9-2170431-G-T.
Other names: c.4212G>T, p.Glu1404Asp (NM_001289396.2); c.4199+8528G>T (NM_139045.4); c.4025+8528G>T (NM_001289397.2); c.227+8528G>T (NM_001289398.2); c.317+8528G>T (NM_001289400.2); c.311+8528G>T (NM_001289399.2); short protein forms E1404D.
Identifiers: ClinVar variation 1304869 (VCV001304869.2), dbSNP rs2129725271, ClinGen allele CA372787827.
Genomic context (GRCh38, chr9:2,170,431, plus strand): 5'-CGAGAACCCAGGTCTTCTGACTCTAGTGTTCTTTCTACTCTACCGCAGGTGTAACGTGGA[G>T]AAGGTGCCCAGTAATTCTCAGTTGGAAATAGAAGGAAACAGGTCAGGATCTGTCTTGTAT-3'
Protein context (NP_003061.3, residues 1394-1414): VINYKDRCNV[Glu1404Asp]KVPSNSQLEI

ClinVar aggregate classification (germline): Uncertain significance (1 of 4 stars; one submission).

Submission:

GeneDx
Classification: Uncertain significance. Last evaluated: 2019-07-10. Review status: criteria provided, single submitter. Criteria: GeneDx Variant Classification Process June 2021. Collection method: clinical testing. Allele origin: germline. Affected: yes.
Comment: Not observed in large population cohorts (Lek et al., 2016); In silico analysis, which includes protein predictors and evolutionary conservation, supports that this variant does not alter protein structure/function; Has not been previously published as pathogenic or benign to our knowledge